The following is an entry in ClinVar:

NM_018486.3(HDAC8):c.31G>C (p.Gly11Arg)

Gene: HDAC8 (histone deacetylase 8; minus strand). Cytogenetic location: Xq13.1.
Variant type: single nucleotide variant.
Coding change: c.31G>C on transcript NM_018486.3 (MANE Select); coding-DNA position 31, G replaced by C.
Protein change: p.Gly11Arg; replaces glycine 11 with arginine.
Molecular consequence: missense variant. On other transcripts: non-coding transcript variant (1).
Genome position (GRCh38, 1-based): chrX:72,572,731, C>G on the plus strand (G>C on the coding strand, the complement: HDAC8 is on the minus strand). VCF-style: chrX-72572731-C-G. GRCh37 (hg19) VCF-style: chrX-71792581-C-G.
Other names: c.31G>C, p.Gly11Arg (NM_001166418.2, NM_001166419.2, NM_001166420.2 and 7 more transcripts); short protein forms G11R.
Identifiers: ClinVar variation 2966887 (VCV002966887.3), dbSNP rs377557673, ClinGen allele CA10450373.
Genomic context (GRCh38, chrX:72,572,731, plus strand): 5'-GGGAGTCACACATACTGACATACTCGGGACTATAGATATAAACCGGGACCAGCGACTGCC[C>G]ACTGTCCGCCGGTTCCTCCGGCTCCTCCATCTTCCGCTTAAAACCGTTCCGCAGCCACCT-3'
Protein context (NP_060956.1, residues 1-21): MEEPEEPADS[Gly11Arg]QSLVPVYIYS

ClinVar aggregate classification (germline): Uncertain significance (1 of 4 stars; one submission).

Conditions:
Cornelia de Lange syndrome 5 (CDLS5). Also called: HDAC8-Related Cornelia de Lange Syndrome. Identifiers: Orphanet 199, MedGen C3550903, MONDO:0010471, OMIM 300882.

Allele frequency attached by ClinVar (database versions not stated): ExAC 0.00001; gnomAD 0.00001; gnomAD exomes 0.00001; TOPMed 0.00001; ESP Exome Variant Server 0.00009.
gnomAD v4.1: 9 of 1,207,520 alleles (0.00075%); highest among the groups gnomAD compares: Non-Finnish European, 0.001%; no homozygotes.

Submission:

Labcorp Genetics (formerly Invitae), Labcorp
Classification: Uncertain significance for Cornelia de Lange syndrome 5. Last evaluated: 2024-08-08. Review status: criteria provided, single submitter. Criteria: Invitae Variant Classification Sherloc (09022015). Collection method: clinical testing. Allele origin: germline.
Comment: This sequence change replaces glycine, which is neutral and non-polar, with arginine, which is basic and polar, at codon 11 of the HDAC8 protein (p.Gly11Arg). This variant is not present in population databases (gnomAD no frequency). This variant has not been reported in the literature in individuals affected with HDAC8-related conditions. Advanced modeling of protein sequence and biophysical properties (such as structural, functional, and spatial information, amino acid conservation, physicochemical variation, residue mobility, and thermodynamic stability) performed at Invitae indicates that this missense variant is not expected to disrupt HDAC8 protein function with a negative predictive value of 95%. In summary, the available evidence is currently insufficient to determine the role of this variant in disease. Therefore, it has been classified as a Variant of Uncertain Significance.